The following is an entry in ClinVar:

ClinVar aggregate classification (germline): Pathogenic (1 of 4 stars; one submission).

Conditions:
Pyridoxine-dependent epilepsy (EPEO4). Also called: PYRIDOXINE DEPENDENCY WITH SEIZURES; Pyridoxine-Dependent Seizures; Pyridoxine-Dependent Epilepsy - ALDH7A1; EPILEPSY, EARLY-ONSET, 4, VITAMIN B6-DEPENDENT. Identifiers: Orphanet 3006, MedGen C1849508, MONDO:0009945, OMIM 266100. Disease mechanism: loss of function.

Submission:

Labcorp Genetics (formerly Invitae), Labcorp
Classification: Pathogenic for Pyridoxine-dependent epilepsy. Last evaluated: 2024-02-23. Review status: criteria provided, single submitter. Criteria: Invitae Variant Classification Sherloc (09022015). Collection method: clinical testing. Allele origin: germline.
Comment: This sequence change creates a premature translational stop signal (p.Arg79Serfs*10) in the ALDH7A1 gene. It is expected to result in an absent or disrupted protein product. Loss-of-function variants in ALDH7A1 are known to be pathogenic (PMID: 16491085, 20554659). This variant is not present in population databases (gnomAD no frequency). This variant has not been reported in the literature in individuals affected with ALDH7A1-related conditions. ClinVar contains an entry for this variant (Variation ID: 2021172). For these reasons, this variant has been classified as Pathogenic.

Literature cited by the submitters: PubMed 16491085; PubMed 20554659.

NM_001182.5(ALDH7A1):c.234_235del (p.Arg79fs)

Gene: ALDH7A1 (aldehyde dehydrogenase 7 family member A1; minus strand). Cytogenetic location: 5q23.2.
Variant type: Deletion.
Coding change: c.234_235del on transcript NM_001182.5 (MANE Select); coding-DNA positions 234 to 235, 2 bases deleted (AA; older notation c.234_235delAA).
Protein change: p.Arg79fs; shifts the reading frame from arginine 79.
Molecular consequence: frameshift variant.
Genome position (GRCh38, 1-based): chr5:126,593,362-126,593,363, TT deleted on the plus strand (AA on the coding strand, the reverse complement: ALDH7A1 is on the minus strand). VCF-style (leftmost placement, unchanged base first): chr5-126593361-CTT-C. GRCh37 (hg19) VCF-style: chr5-125929053-CTT-C.
Other names: c.150_151del, p.Arg51fs (NM_001201377.2); c.234_235del, p.Arg79fs (NM_001202404.2); short protein forms R51fs, R79fs.
Identifiers: ClinVar variation 2021172 (VCV002021172.4), dbSNP rs2480366502, ClinGen allele CA2580072512.